The following is an entry in ClinVar:

NC_000004.11:g.(?_114290660)_(114302637_?)dup

Gene: ANK2 (ankyrin 2; plus strand). Cytogenetic location: 4q26.
Variant type: Duplication.
Identifiers: ClinVar variation 1046627 (VCV001046627.3).

ClinVar aggregate classification (germline): Uncertain significance (1 of 4 stars; one submission).

Conditions:
Long QT syndrome (LQTS). Identifiers: MedGen C0023976, MeSH D008133, MONDO:0002442. Disease mechanism: loss of function. Inheritance: Various modes of inheritance.

Submission:

Labcorp Genetics (formerly Invitae), Labcorp
Classification: Uncertain significance for Long QT syndrome. Last evaluated: 2023-07-03. Review status: criteria provided, single submitter. Criteria: Invitae Variant Classification Sherloc (09022015). Collection method: clinical testing. Allele origin: germline.
Comment: In summary, the available evidence is currently insufficient to determine the role of this variant in disease. Therefore, it has been classified as a Variant of Uncertain Significance. This variant has not been reported in the literature in individuals affected with ANK2-related conditions. This variant results in a copy number gain of the genomic region encompassing exon(s) 43-46 of the ANK2 gene. This region includes the termination codon of the gene. This copy number gain extends beyond the assayed region for this gene and therefore may encompass additional genes. As the precise location of this event is unknown, it may be in tandem or it may be located elsewhere in the genome.